The following is an entry in ClinVar:

ClinVar aggregate classification (germline): Uncertain significance. Review status: criteria provided, multiple submitters, no conflicts (2 of 4 stars). 6 submissions from 6 submitters: Uncertain significance (6). Last evaluated 2024-10-24.

Conditions:
Inborn genetic diseases. Identifiers: MedGen C0950123, MeSH D030342.
Hypotonia with lactic acidemia and hyperammonemia. Identifiers: Orphanet 137908, MedGen C2673642, MONDO:0012718, OMIM 611719.
Mitochondrial disease. Also called: Mitochondrial disorder; Mitochondrial disorders. Identifiers: Orphanet 68380, MedGen C0751651, MeSH D028361, MONDO:0044970.

Allele frequency attached by ClinVar (database versions not stated): gnomAD 0.00027; TOPMed 0.00032; ESP Exome Variant Server 0.00038; gnomAD exomes 0.00038; ExAC 0.00045.

Submissions (6):

Labcorp Genetics (formerly Invitae), Labcorp
Classification: Uncertain significance. Last evaluated: 2024-10-24. Review status: criteria provided, single submitter. Criteria: Invitae Variant Classification Sherloc (09022015). Collection method: clinical testing. Allele origin: germline.
Comment: This sequence change replaces arginine, which is basic and polar, with cysteine, which is neutral and slightly polar, at codon 263 of the MRPS22 protein (p.Arg263Cys). This variant is present in population databases (rs147739245, gnomAD 0.06%). This variant has not been reported in the literature in individuals affected with MRPS22-related conditions. ClinVar contains an entry for this variant (Variation ID: 214684). Invitae Evidence Modeling of protein sequence and biophysical properties (such as structural, functional, and spatial information, amino acid conservation, physicochemical variation, residue mobility, and thermodynamic stability) indicates that this missense variant is expected to disrupt MRPS22 protein function with a positive predictive value of 80%. In summary, the available evidence is currently insufficient to determine the role of this variant in disease. Therefore, it has been classified as a Variant of Uncertain Significance.

Ambry Genetics
Classification: Uncertain significance for Inborn genetic diseases. Last evaluated: 2023-12-27. Review status: criteria provided, single submitter. Criteria: Ambry Variant Classification Scheme 2023. Collection method: clinical testing. Allele origin: germline.

CeGaT Center for Human Genetics Tuebingen
Classification: Uncertain significance. Last evaluated: 2022-10-01. Review status: criteria provided, single submitter. Criteria: CeGaT Center For Human Genetics Tuebingen Variant Classification Criteria Version 2. Collection method: clinical testing. Allele origin: germline. Affected: yes. Observed: 1 variant allele.

Department of Pathology and Laboratory Medicine, Sinai Health System
Classification: Uncertain significance for mitochondrial disease. Last evaluated: 2021-01-15. Review status: criteria provided, single submitter. Criteria: ACMG Guidelines, 2015. Collection method: research. Allele origin: germline.

Illumina Laboratory Services, Illumina
Classification: Uncertain significance for Hypotonia with lactic acidemia and hyperammonemia. Last evaluated: 2018-01-13. Review status: criteria provided, single submitter. Criteria: ICSL Variant Classification Criteria 13 December 2019. Collection method: clinical testing. Allele origin: germline.

Daryl Scott Lab, Baylor College of Medicine
Classification: Uncertain significance for Hypotonia with lactic acidemia and hyperammonemia. Review status: criteria provided, single submitter. Criteria: ACMG Guidelines, 2015. Collection method: clinical testing. Allele origin: paternal. Affected: yes. Observed: 1 heterozygote.
Comment: BS2, PP3

NM_020191.4(MRPS22):c.787C>T (p.Arg263Cys)

Gene: MRPS22 (mitochondrial ribosomal protein S22; plus strand). Cytogenetic location: 3q23.
Variant type: single nucleotide variant.
Coding change: c.787C>T on transcript NM_020191.4 (MANE Select); coding-DNA position 787, C replaced by T.
Protein change: p.Arg263Cys; replaces arginine 263 with cysteine.
Molecular consequence: missense variant.
Genome position (GRCh38, 1-based): chr3:139,352,701, C>T. VCF-style: chr3-139352701-C-T. GRCh37 (hg19) VCF-style: chr3-139071543-C-T.
Other names: c.664C>T, p.Arg222Cys (NM_001363857.1); c.784C>T, p.Arg262Cys (NM_001363893.1); short protein forms R263C, R262C, R222C.
Identifiers: ClinVar variation 214684 (VCV000214684.39), dbSNP rs147739245, ClinGen allele CA323213.
Genomic context (GRCh38, chr3:139,352,701, plus strand): 5'-GGATAGGTTCATCACAAGACCTATGAAGATATAGATAAACGTGGAAAATATGACCTTTTA[C>T]GTTCAACAAGATACTTTGGTGGAATGGTGTGGTATTTTGTAAATAATAAAAAGATTGATG-3'
Protein context (NP_064576.1, residues 253-273): IDKRGKYDLL[Arg263Cys]STRYFGGMVW